The following is an entry in ClinVar:

ClinVar aggregate classification (germline): Pathogenic (1 of 4 stars; one submission).

Conditions:
Hereditary diffuse gastric adenocarcinoma (HDGC). Also called: DIFFUSE GASTRIC AND LOBULAR BREAST CANCER SYNDROME. Identifiers: Orphanet 26106, MedGen C1708349, MONDO:0007648, OMIM 137215.

Submission:

Myriad Genetics, Inc.
Classification: Pathogenic for Hereditary diffuse gastric adenocarcinoma. Last evaluated: 2023-06-13. Review status: criteria provided, single submitter. Criteria: Myriad Autosomal Dominant, Autosomal Recessive and X-Linked Classification Criteria (2023). Collection method: clinical testing. Allele origin: unknown.
Comment: This variant is considered pathogenic. This variant creates a frameshift predicted to result in premature protein truncation.

NM_004360.5(CDH1):c.1143_1145delinsA (p.Gly382fs)

Gene: CDH1 (cadherin 1; plus strand). Cytogenetic location: 16q22.1.
Variant type: Indel.
Coding change: c.1143_1145delinsA on transcript NM_004360.5 (MANE Select); coding-DNA positions 1143 to 1145, GGG replaced by A.
Protein change: p.Gly382fs; shifts the reading frame from glycine 382.
Molecular consequence: frameshift variant. On other transcripts: 5 prime UTR variant (2), intron variant (1).
Genome position (GRCh38, 1-based): chr16:68,813,318-68,813,320, GGG replaced by A. VCF-style: chr16-68813318-GGG-A. GRCh37 (hg19) VCF-style: chr16-68847221-GGG-A.
Other names: c.-473_-471delinsA (NM_001317185.2); c.-677_-675delinsA (NM_001317186.2); c.1137+1055_1137+1057delinsA (NM_001317184.2); short protein forms G382fs.
Identifiers: ClinVar variation 2583588 (VCV002583588.2), dbSNP rs1555515863, ClinGen allele CA2582342582.